The following is an entry in ClinVar:

NM_021930.6(RINT1):c.1963T>G (p.Leu655Val)

Genes: EFCAB10 (EF-hand calcium binding domain 10; minus strand), RINT1 (RAD50 interactor 1; plus strand). Cytogenetic location: 7q22.3.
Variant type: single nucleotide variant.
Coding change: c.1963T>G on transcript NM_021930.6 (MANE Select); coding-DNA position 1963, T replaced by G.
Protein change: p.Leu655Val; replaces leucine 655 with valine.
Molecular consequence: missense variant. On other transcripts: 3 prime UTR variant (3), non-coding transcript variant (1).
Genome position (GRCh38, 1-based): chr7:105,565,353, T>G. VCF-style: chr7-105565353-T-G. GRCh37 (hg19) VCF-style: chr7-105205800-T-G.
Other names: c.*94A>C (NM_001355526.2); c.*196A>C (NM_001355530.2); c.*49A>C (NM_001355531.2); c.1729T>G, p.Leu577Val (NM_001346599.2); c.940T>G, p.Leu314Val (NM_001346600.2, NM_001346603.2); c.1039T>G, p.Leu347Val (NM_001346601.2); short protein forms L314V, L347V, L577V, L655V.
Identifiers: ClinVar variation 4863315 (VCV004863315.1).

ClinVar aggregate classification (germline): Uncertain significance (1 of 4 stars; one submission).

Submission:

Ambry Genetics
Classification: Uncertain significance. Last evaluated: 2026-04-25. Review status: criteria provided, single submitter. Criteria: Ambry Variant Classification Scheme 2023. Collection method: clinical testing. Allele origin: germline.
Comment: The p.L655V variant (also known as c.1963T>G), located in coding exon 13 of the RINT1 gene, results from a T to G substitution at nucleotide position 1963. The leucine at codon 655 is replaced by valine, an amino acid with highly similar properties. This amino acid position is conserved. In addition, this alteration is predicted to be tolerated by in silico analysis. Based on the available evidence, the clinical significance of this variant remains unclear.